The following is an entry in ClinVar:

ClinVar aggregate classification (germline): Benign/Likely benign. Review status: criteria provided, multiple submitters, no conflicts (2 of 4 stars). 8 submissions from 5 submitters: Benign (6); Likely benign (2). Last evaluated 2026-02-05.

Conditions:
Basal laminar drusen. Also called: DRUSEN OF BRUCH MEMBRANE; DRUSEN, CUTICULAR; DRUSEN, EARLY ADULT-ONSET, GROUPED. Identifiers: Orphanet 75376, MedGen C0730295, MONDO:0007472, OMIM 126700.
Hemolytic uremic syndrome, atypical, susceptibility to, 1. Also called: AHUS, SUSCEPTIBILITY TO, 1. Identifiers: Orphanet 2134, Orphanet 90038, MedGen C2749604, MONDO:0009335, OMIM 235400. Disease mechanism: Other.
Factor H deficiency (CFHD). Also called: COMPLEMENT FACTOR H DEFICIENCY; CFH DEFICIENCY. Identifiers: Orphanet 200421, MedGen C0398777, MONDO:0012350, OMIM 609814.
Age related macular degeneration 4. Identifiers: MedGen C1853147, MONDO:0012540, OMIM 610698.

Submissions (8):

Women's Health and Genetics/Laboratory Corporation of America, LabCorp
Classification: Benign. Last evaluated: 2026-02-05. Review status: criteria provided, single submitter. Criteria: LabCorp Variant Classification Summary - May 2015. Collection method: clinical testing. Allele origin: germline.
Comment: Variant summary: CFH c.245-9delT alters a nucleotide located at a position not widely known to affect splicing. Consensus agreement among computation tools predict no significant impact on normal splicing. However, these predictions have yet to be confirmed by functional studies. The variant allele was found at a frequency of 0.0046 in 30882 control chromosomes, predominantly at a frequency of 0.016 within the African or African-American subpopulation in the gnomAD database, including 2 homozygotes. The observed variant frequency within African or African-American control individuals in the gnomAD database exceeds the estimated maximal expected allele frequency for disease-causing variants in CFH. To our knowledge, no occurrence of c.245-9delT in individuals affected with CFH-related conditions and no experimental evidence demonstrating its impact on protein function have been reported. ClinVar contains an entry for this variant (Variation ID: 1591064). Based on the evidence outlined above, the variant was classified as benign.

Labcorp Genetics (formerly Invitae), Labcorp
Classification: Benign. Last evaluated: 2026-01-22. Review status: criteria provided, single submitter. Criteria: Invitae Variant Classification Sherloc (09022015). Collection method: clinical testing. Allele origin: germline.

Blueprint Genetics
Classification: Likely benign. Last evaluated: 2024-09-23. Review status: criteria provided, single submitter. Criteria: ACMG Guidelines, 2015. Collection method: clinical testing. Allele origin: germline.

Genome-Nilou Lab
Classification: Benign for Hemolytic uremic syndrome, atypical, susceptibility to, 1. Last evaluated: 2023-04-11. Review status: criteria provided, single submitter. Criteria: ACMG Guidelines, 2015. Collection method: clinical testing. Allele origin: germline. Affected: no.

Genome-Nilou Lab
Classification: Benign for Age related macular degeneration 4. Last evaluated: 2023-04-11. Review status: criteria provided, single submitter. Criteria: ACMG Guidelines, 2015. Collection method: clinical testing. Allele origin: germline. Affected: no.

Genome-Nilou Lab
Classification: Benign for Basal laminar drusen. Last evaluated: 2023-04-11. Review status: criteria provided, single submitter. Criteria: ACMG Guidelines, 2015. Collection method: clinical testing. Allele origin: germline. Affected: no.

Genome-Nilou Lab
Classification: Benign for Factor H deficiency. Last evaluated: 2023-04-11. Review status: criteria provided, single submitter. Criteria: ACMG Guidelines, 2015. Collection method: clinical testing. Allele origin: germline. Affected: no.

Fulgent Genetics
Classification: Likely benign for Basal laminar drusen; Hemolytic uremic syndrome, atypical, susceptibility to, 1; Factor H deficiency; Age related macular degeneration 4. Last evaluated: 2021-07-28. Review status: criteria provided, single submitter. Criteria: ACMG Guidelines, 2015. Collection method: clinical testing. Allele origin: unknown.

NM_000186.4(CFH):c.245-9del

Gene: CFH (complement factor H; plus strand). Cytogenetic location: 1q31.3.
Variant type: Deletion.
Coding change: c.245-9del on transcript NM_000186.4 (MANE Select); 9 bases into the intron before coding-DNA position 245, one base deleted (T; older notation c.245-9delT).
Molecular consequence: intron variant.
Genome position (GRCh38, 1-based): chr1:196,673,848, T deleted; the last of 9 consecutive T bases (chr1:196,673,840-196,673,848); deleting any one gives the same sequence. VCF-style (leftmost placement, unchanged base first): chr1-196673839-CT-C. GRCh37 (hg19) VCF-style: chr1-196642969-CT-C.
Other names: c.245-9delT (NM_000186.4); c.245-9del (NM_001014975.3).
Identifiers: ClinVar variation 1591064 (VCV001591064.12), dbSNP rs35507625, ClinGen allele CA1304991.